The following is an entry in ClinVar:

ClinVar aggregate classification (germline): Likely benign. Review status: criteria provided, single submitter (1 of 4 stars). 3 submissions from 3 submitters: Likely benign (1). 2 of the submissions do not count toward it. Last evaluated 2025-11-16.

Conditions:
POLE-related disorder. Also called: POLE-related condition; POLE-related disorders.
Colorectal cancer, susceptibility to, 12 (CRCS12). Also called: COLORECTAL CANCER, SUSCEPTIBILITY TO, ON CHROMOSOME 12q24. Identifiers: Orphanet 220460, MedGen C3554460, MONDO:0014038, OMIM 615083.

gnomAD v4.1: 1 of 1,604,228 alleles (0.000062%); highest among the groups gnomAD compares: Non-Finnish European, 0.000085%; no homozygotes.

Submissions (3):

Labcorp Genetics (formerly Invitae), Labcorp
Classification: Likely benign. Last evaluated: 2025-11-16. Review status: criteria provided, single submitter. Criteria: Invitae Variant Classification Sherloc (09022015). Collection method: clinical testing. Allele origin: germline.

PreventionGenetics, part of Exact Sciences
Classification: Likely benign for POLE-related condition. Last evaluated: 2021-12-13. Review status: no assertion criteria provided. Collection method: clinical testing. Allele origin: germline. Not counted in ClinVar's aggregate classification.
Comment: This variant is classified as likely benign based on ACMG/AMP sequence variant interpretation guidelines (Richards et al. 2015 PMID: 25741868, with internal and published modifications).

Counsyl
Classification: Likely benign for Colorectal cancer, susceptibility to, 12. Last evaluated: 2018-01-09. Review status: no assertion criteria provided. Collection method: clinical testing. Allele origin: unknown. Not counted in ClinVar's aggregate classification.

NM_006231.4(POLE):c.2320-9G>T

Gene: POLE (DNA polymerase epsilon, catalytic subunit; minus strand). Cytogenetic location: 12q24.33.
Variant type: single nucleotide variant.
Coding change: c.2320-9G>T on transcript NM_006231.4 (MANE Select); 9 bases into the intron before coding-DNA position 2320, G replaced by T.
Molecular consequence: intron variant.
Genome position (GRCh38, 1-based): chr12:132,665,459, C>A on the plus strand (G>T on the coding strand, the complement: POLE is on the minus strand). VCF-style: chr12-132665459-C-A. GRCh37 (hg19) VCF-style: chr12-133242045-C-A.
Identifiers: ClinVar variation 548841 (VCV000548841.14), dbSNP rs769834031, ClinGen allele CA608514240.